The following is an entry in ClinVar:

NM_000540.3(RYR1):c.688C>G (p.Leu230Val)

Gene: RYR1 (ryanodine receptor 1; plus strand). Cytogenetic location: 19q13.2.
Variant type: single nucleotide variant.
Coding change: c.688C>G on transcript NM_000540.3 (MANE Select); coding-DNA position 688, C replaced by G.
Protein change: p.Leu230Val; replaces leucine 230 with valine.
Molecular consequence: missense variant.
Genome position (GRCh38, 1-based): chr19:38,446,528, C>G. VCF-style: chr19-38446528-C-G. GRCh37 (hg19) VCF-style: chr19-38937168-C-G.
Other names: c.688C>G, p.Leu230Val (NM_001042723.2); short protein forms L230V.
Identifiers: ClinVar variation 3073918 (VCV003073918.1), dbSNP rs1195526328, ClinGen allele CA405679637.
Genomic context (GRCh38, chr19:38,446,528, plus strand): 5'-CCAGGCTTCGTGACGGGAGGTCACGTCCTCCGCCTCTTTCATGGACATATGGATGAGTGT[C>G]TGACCATTTCCCCTGCTGACAGTGATGACCAGCGCAGGTCTGGGCTGTGGACGAGAGGGC-3'
Protein context (NP_000531.2, residues 220-240): RLFHGHMDEC[Leu230Val]TISPADSDDQ

ClinVar aggregate classification (germline): Uncertain significance (1 of 4 stars; one submission).

Conditions:
Malignant hyperthermia, susceptibility to, 1 (MHS1). Also called: Anesthesia related hyperthermia; Malignant hyperpyrexia; Fulminating hyperpyrexia; Pharmacogenic myopathy; RYR1-Related Malignant Hyperthermia Susceptibility; Malignant hyperthermia suceptibility 1. Identifiers: Orphanet 423, MedGen C2930980, MONDO:0007783, OMIM 145600.

Allele frequency attached by ClinVar (database versions not stated): gnomAD exomes 0.00001.
gnomAD v4.1: 10 of 1,614,172 alleles (0.00062%); highest among the groups gnomAD compares: Non-Finnish European, 0.00076%; no homozygotes.

Submission:

All of Us Research Program, National Institutes of Health
Classification: Uncertain significance for Malignant hyperthermia, susceptibility to, 1. Last evaluated: 2023-11-30. Review status: criteria provided, single submitter. Criteria: ACMG Guidelines, 2015. Collection method: clinical testing. Allele origin: germline. Inheritance: Autosomal dominant inheritance. Observed: 1 variant allele, 1 heterozygote.
Comment: This study involves interpretation of variants in research participants for the purpose of population health screening. Participant phenotype was not available at the time of variant classification. Additional details can be found in publication PMID: 35346344, PMCID: PMC8962531